The following is an entry in ClinVar:

NM_207361.6(FREM2):c.6404G>A (p.Arg2135Gln)

Gene: FREM2 (FRAS1 related extracellular matrix 2; plus strand). Cytogenetic location: 13q13.3.
Variant type: single nucleotide variant.
Coding change: c.6404G>A on transcript NM_207361.6 (MANE Select); coding-DNA position 6404, G replaced by A.
Protein change: p.Arg2135Gln; replaces arginine 2135 with glutamine.
Molecular consequence: missense variant.
Genome position (GRCh38, 1-based): chr13:38,850,062, G>A. VCF-style: chr13-38850062-G-A. GRCh37 (hg19) VCF-style: chr13-39424199-G-A.
Other names: c.6404G>A (NM_207361.4); short protein forms R2135Q.
Identifiers: ClinVar variation 2194456 (VCV002194456.4), dbSNP rs149325030, ClinGen allele CA6955552.
Genomic context (GRCh38, chr13:38,850,062, plus strand): 5'-GAAATTTCTGTTCACTTTAATCCTTTGTTTTTGCAGTGCCTAAGATGCAATTCAAAGAAC[G>A]AATATATACTGGCAGCGAAAGTGATGGGCAGATAGTTACAATGATCCATAGGACTGGGGA-3'
Protein context (NP_997244.4, residues 2125-2145): SDLPKMQFKE[Arg2135Gln]IYTGSESDGQ

ClinVar aggregate classification (germline): Uncertain significance. Review status: criteria provided, multiple submitters, no conflicts (2 of 4 stars). 3 submissions from 3 submitters: Uncertain significance (3). Last evaluated 2025-05-04.

Conditions:
Inborn genetic diseases. Identifiers: MedGen C0950123, MeSH D030342.
Isolated cryptophthalmia. Also called: Cryptophthalmos, unilateral or bilateral, isolated; ANKYLOBLEPHARON, SIMPLE. Identifiers: Orphanet 91396, MedGen C1852453, MONDO:0007410, OMIM 123570.
Fraser syndrome 2 (FRASRS2). Identifiers: MedGen C4540036, MONDO:0054738, OMIM 617666.

Allele frequency attached by ClinVar (database versions not stated): gnomAD exomes 0.00005; ExAC 0.00008; gnomAD 0.00021; ESP Exome Variant Server 0.00023; TOPMed 0.00030.
gnomAD v4.1: 113 of 1,613,874 alleles (0.007%); highest among the groups gnomAD compares: African/African-American, 0.073%; no homozygotes.

Submissions (3):

Ambry Genetics
Classification: Uncertain significance for Inborn genetic diseases. Last evaluated: 2025-05-04. Review status: criteria provided, single submitter. Criteria: Ambry Variant Classification Scheme 2023. Collection method: clinical testing. Allele origin: germline.

Fulgent Genetics
Classification: Uncertain significance for Isolated cryptophthalmia; Fraser syndrome 2. Last evaluated: 2024-06-13. Review status: criteria provided, single submitter. Criteria: ACMG Guidelines, 2015. Collection method: clinical testing. Allele origin: germline.

Labcorp Genetics (formerly Invitae), Labcorp
Classification: Uncertain significance. Last evaluated: 2022-06-08. Review status: criteria provided, single submitter. Criteria: Invitae Variant Classification Sherloc (09022015). Collection method: clinical testing. Allele origin: germline.
Comment: This sequence change replaces arginine, which is basic and polar, with glutamine, which is neutral and polar, at codon 2135 of the FREM2 protein (p.Arg2135Gln). This variant is present in population databases (rs149325030, gnomAD 0.09%). This variant has not been reported in the literature in individuals affected with FREM2-related conditions. Algorithms developed to predict the effect of missense changes on protein structure and function are either unavailable or do not agree on the potential impact of this missense change (SIFT: "Tolerated"; PolyPhen-2: "Possibly Damaging"; Align-GVGD: "Class C0"). In summary, the available evidence is currently insufficient to determine the role of this variant in disease. Therefore, it has been classified as a Variant of Uncertain Significance.